The following is an entry in ClinVar:

ClinVar aggregate classification (germline): Pathogenic (1 of 4 stars; one submission).

Submission:

GeneDx
Classification: Pathogenic. Last evaluated: 2018-01-24. Review status: criteria provided, single submitter. Criteria: GeneDx Variant Classification (06012015). Collection method: clinical testing. Allele origin: germline. Affected: yes.
Comment: The Q422X variant in the SETBP1 gene has not been reported previously as a pathogenic variant nor as a benign variant, to our knowledge. This variant is predicted to cause loss of normal protein function either through protein truncation or nonsense-mediated mRNA decay. The Q422X variant is not observed in large population cohorts (Lek et al., 2016). We interpret Q422X as a pathogenic variant.

NM_015559.3(SETBP1):c.1264C>T (p.Gln422Ter)

Gene: SETBP1 (SET binding protein 1; plus strand). Cytogenetic location: 18q12.3.
Variant type: single nucleotide variant.
Coding change: c.1264C>T on transcript NM_015559.3 (MANE Select); coding-DNA position 1264, C replaced by T.
Protein change: p.Gln422Ter; replaces glutamine 422 with a stop codon.
Molecular consequence: nonsense.
Genome position (GRCh38, 1-based): chr18:44,950,604, C>T. VCF-style: chr18-44950604-C-T. GRCh37 (hg19) VCF-style: chr18-42530569-C-T.
Other names: c.1264C>T, p.Gln422Ter (LRG_1150t1); short protein forms Q422*.
Identifiers: ClinVar variation 489374 (VCV000489374.2), dbSNP rs1555706333, ClinGen allele CA402318152.
Genomic context (GRCh38, chr18:44,950,604, plus strand): 5'-ATTACTATCCCCATCAAGGCACCCTCTCTGGATCCAACCAACCATAAGAGGAAAAAAAGA[C>T]AGTCCATTAAAGCGGTGGTGGAAAAGATCATGCCAGAGAAAGCCTTGGCTTCTGGAATCA-3'